The following is an entry in ClinVar:

NM_000352.6(ABCC8):c.4728C>T (p.Phe1576=)

Genes: KCNJ11 (potassium inwardly rectifying channel subfamily J member 11; minus strand), ABCC8 (ATP binding cassette subfamily C member 8; minus strand). Cytogenetic location: 11p15.1.
Variant type: single nucleotide variant.
Coding change: c.4728C>T on transcript NM_000352.6 (MANE Select); coding-DNA position 4728, C replaced by T.
Protein change: p.Phe1576=; no amino-acid change (phenylalanine 1576 retained).
Molecular consequence: synonymous variant. On other transcripts: non-coding transcript variant (1).
Genome position (GRCh38, 1-based): chr11:17,393,009, G>A on the plus strand (C>T on the coding strand, the complement: ABCC8 is on the minus strand). VCF-style: chr11-17393009-G-A. GRCh37 (hg19) VCF-style: chr11-17414556-G-A.
Other names: c.4731C>T, p.Phe1577= (NM_001287174.3); c.4794C>T, p.Phe1598= (NM_001351295.2); c.4728C>T, p.Phe1576= (NM_001351296.2); c.4725C>T, p.Phe1575= (NM_001351297.2).
Identifiers: ClinVar variation 157706 (VCV000157706.33), dbSNP rs73419228, ClinGen allele CA171089.
Genomic context (GRCh38, chr11:17,393,009, plus strand): 5'-GGGCAGGGTCCGAATGTGGGATGGCACTTGGGCTCTGGCAGGTCACTTGTCTGCACGGAC[G>A]AAGGAGGCGAAGACGCTGTCCTTCCGGCTGAGCAGCTTCTCTGGCTTATCGAACTCAAGG-3'
Protein context (NP_000343.2, residues 1566-1581): LSRKDSVFAS[Phe1576=]VRADK

ClinVar aggregate classification (germline): Benign/Likely benign. Review status: criteria provided, multiple submitters, no conflicts (2 of 4 stars). 12 submissions from 11 submitters: Benign (6); Likely benign (4). 2 of the submissions do not count toward it. Last evaluated 2026-02-04.

Conditions:
Hereditary hyperinsulinism.
Inborn genetic diseases. Identifiers: MedGen C0950123, MeSH D030342.
Maturity-onset diabetes of the young (MODY). Also called: Maturity onset diabetes mellitus in young. Identifiers: Orphanet 552, MedGen C0342276, MONDO:0018911, HP:0004904.
Diabetes mellitus, transient neonatal, 2 (TNDM2). Identifiers: Orphanet 99886, MedGen C1835887, MONDO:0012480, OMIM 610374. Disease mechanism: loss of function.
Hyperinsulinemic hypoglycemia, familial, 1 (HHF1). Also called: Persistent hyperinsulinemic hypoglycemia of infancy; NESIDIOBLASTOSIS OF PANCREAS; Persistent Hyperinsulinemia Hypoglycemia of Infancy; HYPERINSULINISM, FAMILIAL, WITH PANCREATIC NESIDIOBLASTOSIS; HYPOGLYCEMIA, HYPERINSULINEMIC, OF INFANCY. Identifiers: Orphanet 276575, Orphanet 276598, MedGen C2931832, MONDO:0009734, OMIM 256450.

Allele frequency attached by ClinVar (database versions not stated): gnomAD exomes 0.00126 and 0.00300; ExAC 0.00365; 1000 Genomes Project 30x 0.00812; 1000 Genomes Project 0.00899; gnomAD 0.01100 and 0.01181; TOPMed 0.01213; ESP Exome Variant Server 0.01224.
gnomAD v4.1: 3,585 of 1,614,152 alleles (0.22%); highest among the groups gnomAD compares: African/African-American, 3.8%; 66 homozygotes.

Submissions (12):

Labcorp Genetics (formerly Invitae), Labcorp
Classification: Benign. Last evaluated: 2026-02-04. Review status: criteria provided, single submitter. Criteria: Invitae Variant Classification Sherloc (09022015). Collection method: clinical testing. Allele origin: germline.

ARUP Laboratories, Molecular Genetics and Genomics, ARUP Laboratories
Classification: Benign. Last evaluated: 2025-03-06. Review status: criteria provided, single submitter. Criteria: ARUP Molecular Germline Variant Investigation Process 2024. Collection method: clinical testing. Allele origin: germline.

Blueprint Genetics
Classification: Likely benign. Last evaluated: 2024-11-26. Review status: criteria provided, single submitter. Criteria: ACMG Guidelines, 2015. Collection method: clinical testing. Allele origin: germline.

Ambry Genetics
Classification: Likely benign for Inborn genetic diseases. Last evaluated: 2022-07-06. Review status: criteria provided, single submitter. Criteria: Ambry Variant Classification Scheme 2023. Collection method: clinical testing. Allele origin: germline.

Athena Diagnostics
Classification: Benign. Last evaluated: 2021-02-08. Review status: criteria provided, single submitter. Criteria: Athena Diagnostics criteria. Collection method: clinical testing. Allele origin: unknown.

GeneDx
Classification: Benign. Last evaluated: 2020-06-15. Review status: criteria provided, single submitter. Criteria: GeneDx Variant Classification Process June 2021. Collection method: clinical testing. Allele origin: germline. Affected: yes.

Illumina Laboratory Services, Illumina
Classification: Benign for Diabetes mellitus, transient neonatal, 2. Last evaluated: 2018-01-13. Review status: criteria provided, single submitter. Criteria: ICSL Variant Classification Criteria 13 December 2019. Collection method: clinical testing. Allele origin: germline.
Comment: This variant was observed in the ICSL laboratory as part of a predisposition screen in an ostensibly healthy population. It had not been previously curated by ICSL or reported in the Human Gene Mutation Database (HGMD: prior to June 1st, 2018), and was therefore a candidate for classification through an automated scoring system. Utilizing variant allele frequency, disease prevalence and penetrance estimates, and inheritance mode, an automated score was calculated to assess if this variant is too frequent to cause the disease. Based on the score and internal cut-off values, a variant classified as benign is not then subjected to further curation. The score for this variant resulted in a classification of benign for this disease.

Illumina Laboratory Services, Illumina
Classification: Likely benign for Hyperinsulinemic hypoglycemia, familial, 1. Last evaluated: 2018-01-13. Review status: criteria provided, single submitter. Criteria: ICSL Variant Classification Criteria 13 December 2019. Collection method: clinical testing. Allele origin: germline.
Comment: This variant was observed in the ICSL laboratory as part of a predisposition screen in an ostensibly healthy population. It had not been previously curated by ICSL or reported in the Human Gene Mutation Database (HGMD: prior to June 1st, 2018), and was therefore a candidate for classification through an automated scoring system. Utilizing variant allele frequency, disease prevalence and penetrance estimates, and inheritance mode, an automated score was calculated to assess if this variant is too frequent to cause the disease. Based on the score and internal cut-off values, a variant classified as likely benign is not then subjected to further curation. The score for this variant resulted in a classification of likely benign for this disease.

Genetic Services Laboratory, University of Chicago
Classification: Likely benign. Last evaluated: 2013-03-05. Review status: criteria provided, single submitter. Criteria: ACMG Guidelines, 2007. Collection method: clinical testing. Allele origin: germline. Inheritance: Autosomal unknown.
Comment: Likely benign based on allele frequency in 1000 Genomes Project or ESP global frequency and its presence in a patient with a rare or unrelated disease phenotype. NOT Sanger confirmed

PreventionGenetics, part of Exact Sciences
Classification: Benign. Review status: criteria provided, single submitter. Criteria: ACMG Guidelines, 2015. Collection method: clinical testing. Allele origin: germline.

Natera, Inc.
Classification: Benign for Hereditary hyperinsulinism. Last evaluated: 2020-09-16. Review status: no assertion criteria provided. Collection method: clinical testing. Allele origin: germline. Not counted in ClinVar's aggregate classification.

Clinical Genomics, Uppaluri K&H Personalized Medicine Clinic
Classification: Uncertain significance for Maturity-onset diabetes of the young. Review status: flagged submission. Criteria: K&H Uppaluri Personalized Medicine Clinic Variant Classification & Assertion Criteria. Collection method: research. Allele origin: somatic. Inheritance: Autosomal dominant inheritance. Not counted in ClinVar's aggregate classification.
Comment: Mutations in KCNJ11 gene can cause decreased production and secretion of insulin. This can lead to MODY which may be responsive to oral sulfonylureas. These are also associated with Neonatal Diabetes. However, no sufficient evidence is found to ascertain the role of rs73419228 variant in MODY yet.
ClinVar note: Reason: Outlier claim with insufficient supporting evidence

Literature cited by the submitters: PubMed 26448950 (cited by Clinical Genomics, Uppaluri K&H Personalized Medicine Clinic); PubMed 15580558 (cited by Clinical Genomics, Uppaluri K&H Personalized Medicine Clinic); PubMed 15718250 (cited by Clinical Genomics, Uppaluri K&H Personalized Medicine Clinic).